The following is an entry in ClinVar:

NM_017763.6(RNF43):c.2321A>T (p.Glu774Val)

Gene: RNF43 (ring finger protein 43; minus strand). Cytogenetic location: 17q22.
Variant type: single nucleotide variant.
Coding change: c.2321A>T on transcript NM_017763.6 (MANE Select); coding-DNA position 2321, A replaced by T.
Protein change: p.Glu774Val; replaces glutamic acid 774 with valine.
Molecular consequence: missense variant.
Genome position (GRCh38, 1-based): chr17:58,354,974, T>A on the plus strand (A>T on the coding strand, the complement: RNF43 is on the minus strand). VCF-style: chr17-58354974-T-A. GRCh37 (hg19) VCF-style: chr17-56432335-T-A.
Other names: c.2321A>T, p.Glu774Val (NM_001305544.3); c.1940A>T, p.Glu647Val (NM_001305545.2); short protein forms E647V, E774V.
Identifiers: ClinVar variation 3789882 (VCV003789882.1).

ClinVar aggregate classification (germline): Uncertain significance (1 of 4 stars; one submission).

Submission:

Ambry Genetics
Classification: Uncertain significance. Last evaluated: 2025-01-03. Review status: criteria provided, single submitter. Criteria: Ambry Variant Classification Scheme 2023. Collection method: clinical testing. Allele origin: germline.
Comment: The p.E774V variant (also known as c.2321A>T), located in coding exon 9 of the RNF43 gene, results from an A to T substitution at nucleotide position 2321. The glutamic acid at codon 774 is replaced by valine, an amino acid with dissimilar properties. This amino acid position is conserved. In addition, this alteration is predicted to be tolerated by in silico analysis. Based on the available evidence, the clinical significance of this variant remains unclear.